The following is an entry in ClinVar:

NM_001103.4(ACTN2):c.2671G>T (p.Glu891Ter)

Gene: ACTN2 (actinin alpha 2; plus strand). Cytogenetic location: 1q43.
Variant type: single nucleotide variant.
Coding change: c.2671G>T on transcript NM_001103.4 (MANE Select); coding-DNA position 2671, G replaced by T.
Protein change: p.Glu891Ter; replaces glutamic acid 891 with a stop codon.
Molecular consequence: nonsense.
Genome position (GRCh38, 1-based): chr1:236,762,605, G>T. VCF-style: chr1-236762605-G-T. GRCh37 (hg19) VCF-style: chr1-236925905-G-T.
Other names: c.2671G>T, p.Glu891Ter (NM_001278343.2); c.2047G>T, p.Glu683Ter (NM_001278344.2); short protein forms E683*, E891*.
Identifiers: ClinVar variation 949222 (VCV000949222.12), dbSNP rs1177830945, ClinGen allele CA345392702.

ClinVar aggregate classification (germline): Uncertain significance. Review status: criteria provided, multiple submitters, no conflicts (2 of 4 stars). 2 submissions from 2 submitters: Uncertain significance (2). Last evaluated 2025-01-30.

Conditions:
Primary familial hypertrophic cardiomyopathy (HCM). Identifiers: Orphanet 99739, MedGen C0949658, MeSH D024741, MONDO:0024573. Inheritance: Various modes of inheritance.
Dilated cardiomyopathy 1AA (CMD1AA). Also called: Cardiomyopathy, dilated, 1AA, with or without LVNC; CARDIOMYOPATHY, DILATED, 1AA, WITH OR WITHOUT LEFT VENTRICULAR NONCOMPACTION; CARDIOMYOPATHY, FAMILIAL HYPERTROPHIC, 23, WITH OR WITHOUT LEFT VENTRICULAR NONCOMPACTION. Identifiers: Orphanet 154, MedGen C2677338, MONDO:0012808, OMIM 612158.
Cardiovascular phenotype. Identifiers: MedGen CN230736.

Allele frequency attached by ClinVar (database versions not stated): gnomAD exomes below 0.00001; TOPMed below 0.00001; gnomAD 0.00001.
gnomAD v4.1: 2 of 1,614,108 alleles (0.00012%); highest among the groups gnomAD compares: Non-Finnish European, 0.00017%; no homozygotes.

Submissions (2):

Labcorp Genetics (formerly Invitae), Labcorp
Classification: Uncertain significance for Primary familial hypertrophic cardiomyopathy; Dilated cardiomyopathy 1AA. Last evaluated: 2025-01-30. Review status: criteria provided, single submitter. Criteria: Invitae Variant Classification Sherloc (09022015). Collection method: clinical testing. Allele origin: germline.
Comment: This sequence change creates a premature translational stop signal (p.Glu891*) in the ACTN2 gene. While this is not anticipated to result in nonsense mediated decay, it is expected to disrupt the last 4 amino acid(s) of the ACTN2 protein. This variant is present in population databases (no rsID available, gnomAD 0.007%). This premature translational stop signal has been observed in individual(s) with sudden infant death syndrome (PMID: 28074886). ClinVar contains an entry for this variant (Variation ID: 949222). Algorithms developed to predict the effect of sequence changes on RNA splicing suggest that this variant may create or strengthen a splice site. In summary, the available evidence is currently insufficient to determine the role of this variant in disease. Therefore, it has been classified as a Variant of Uncertain Significance.

Ambry Genetics
Classification: Uncertain significance for Cardiovascular phenotype. Last evaluated: 2020-12-09. Review status: criteria provided, single submitter. Criteria: Ambry Variant Classification Scheme 2023. Collection method: clinical testing. Allele origin: germline.
Comment: The p.E891* variant (also known as c.2671G>T), located in coding exon 21 of the ACTN2 gene, results from a G to T substitution at nucleotide position 2671. This changes the amino acid from a glutamic acid to a stop codon within coding exon 21. This alteration was reported in a sudden infant death case with additional cardiac variants also detected (Neubauer J et al. Eur J Hum Genet, 2017 04;25:404-409). This alteration occurs at the 3' terminus of theACTN2 gene, is not expected to trigger nonsense-mediated mRNA decay, and only impacts the last four amino acids of the protein. The exact functional effect of this alteration is unknown, and loss of function of ACTN2 has not been clearly established as a mechanism of disease. Since supporting evidence is limited at this time, the clinical significance of this alteration remains unclear.

Literature cited by the submitters: PubMed 28074886 (cited by Labcorp Genetics (formerly Invitae), Labcorp and Ambry Genetics).